The following is an entry in ClinVar:

NM_033380.3(COL4A5):c.3500G>A (p.Gly1167Asp)

Gene: COL4A5 (collagen type IV alpha 5 chain; plus strand). Cytogenetic location: Xq22.3.
Variant type: single nucleotide variant.
Coding change: c.3500G>A on transcript NM_033380.3 (MANE Select); coding-DNA position 3500, G replaced by A.
Protein change: p.Gly1167Asp; replaces glycine 1167 with aspartic acid.
Molecular consequence: missense variant.
Genome position (GRCh38, 1-based): chrX:108,666,541, G>A. VCF-style: chrX-108666541-G-A. GRCh37 (hg19) VCF-style: chrX-107909771-G-A.
Other names: c.3500G>A, p.Gly1167Asp (NM_000495.5); short protein forms G1167D.
Identifiers: ClinVar variation 2003824 (VCV002003824.4), dbSNP rs2524567059, ClinGen allele CA413847753.

ClinVar aggregate classification (germline): Likely pathogenic (1 of 4 stars; one submission).

Submission:

Labcorp Genetics (formerly Invitae), Labcorp
Classification: Likely pathogenic. Last evaluated: 2022-07-15. Review status: criteria provided, single submitter. Criteria: Invitae Variant Classification Sherloc (09022015). Collection method: clinical testing. Allele origin: germline.
Comment: This variant has not been reported in the literature in individuals affected with COL4A5-related conditions. This variant is not present in population databases (gnomAD no frequency). This sequence change replaces glycine, which is neutral and non-polar, with aspartic acid, which is acidic and polar, at codon 1167 of the COL4A5 protein (p.Gly1167Asp). Advanced modeling of protein sequence and biophysical properties (such as structural, functional, and spatial information, amino acid conservation, physicochemical variation, residue mobility, and thermodynamic stability) performed at Invitae indicates that this missense variant is expected to disrupt COL4A5 protein function. In summary, the currently available evidence indicates that the variant is pathogenic, but additional data are needed to prove that conclusively. Therefore, this variant has been classified as Likely Pathogenic. This variant disrupts the triple helix domain of COL4A5. Glycine residues within the Gly-Xaa-Yaa repeats of the triple helix domain are required for the structure and stability of fibrillar collagens (PMID: 7695699, 8218237, 19344236). In COL4A5, missense variants at these glycine residues are significantly enriched in individuals with disease (PMID: 23720012, 27627812) compared to the general population (ExAC).

Literature cited by the submitters: PubMed 7695699; PubMed 8218237; PubMed 19344236; PubMed 23720012; PubMed 27627812.